The following is an entry in ClinVar:

ClinVar aggregate classification (germline): Uncertain significance (1 of 4 stars; one submission).

Allele frequency attached by ClinVar (database versions not stated): gnomAD exomes below 0.00001; TOPMed below 0.00001; ExAC 0.00001; gnomAD 0.00001.
gnomAD v4.1: 5 of 1,612,792 alleles (0.00031%); highest among the groups gnomAD compares: Non-Finnish European, 0.00042%; no homozygotes.

Submission:

Labcorp Genetics (formerly Invitae), Labcorp
Classification: Uncertain significance. Last evaluated: 2022-10-05. Review status: criteria provided, single submitter. Criteria: Invitae Variant Classification Sherloc (09022015). Collection method: clinical testing. Allele origin: germline.
Comment: This sequence change replaces proline, which is neutral and non-polar, with serine, which is neutral and polar, at codon 2268 of the CDH23 protein (p.Pro2268Ser). This variant is present in population databases (rs752426434, gnomAD 0.002%). This variant has not been reported in the literature in individuals affected with CDH23-related conditions. Advanced modeling of protein sequence and biophysical properties (such as structural, functional, and spatial information, amino acid conservation, physicochemical variation, residue mobility, and thermodynamic stability) performed at Invitae indicates that this missense variant is not expected to disrupt CDH23 protein function. In summary, the available evidence is currently insufficient to determine the role of this variant in disease. Therefore, it has been classified as a Variant of Uncertain Significance.

NM_022124.6(CDH23):c.6802C>T (p.Pro2268Ser)

Gene: CDH23 (cadherin related 23; plus strand). Cytogenetic location: 10q22.1.
Variant type: single nucleotide variant.
Coding change: c.6802C>T on transcript NM_022124.6 (MANE Select); coding-DNA position 6802, C replaced by T.
Protein change: p.Pro2268Ser; replaces proline 2268 with serine.
Molecular consequence: missense variant.
Genome position (GRCh38, 1-based): chr10:71,797,193, C>T. VCF-style: chr10-71797193-C-T. GRCh37 (hg19) VCF-style: chr10-73556950-C-T.
Other names: c.82C>T, p.Pro28Ser (NM_001171933.1, NM_001171934.1); short protein forms P28S, P2268S.
Identifiers: ClinVar variation 1984522 (VCV001984522.1), dbSNP rs752426434, ClinGen allele CA5546189.